The following is an entry in ClinVar:

NM_000548.5(TSC2):c.3846_3847del (p.Ser1282fs)

Gene: TSC2 (TSC complex subunit 2; plus strand). Cytogenetic location: 16p13.3.
Variant type: Deletion.
Coding change: c.3846_3847del on transcript NM_000548.5 (MANE Select); coding-DNA positions 3846 to 3847, 2 bases deleted (CT; older notation c.3846_3847delCT).
Protein change: p.Ser1282fs; shifts the reading frame from serine 1282.
Molecular consequence: frameshift variant. On other transcripts: intron variant (6).
Genome position (GRCh38, 1-based): chr16:2,082,467-2,082,468, CT deleted. VCF-style (leftmost placement, unchanged base first): chr16-2082466-GCT-G. GRCh37 (hg19) VCF-style: chr16-2132467-GCT-G.
Other names: c.3114_3115del, p.Ser1038fs (NM_001318831.2); c.3714_3715del, p.Ser1238fs (NM_001370404.1); c.3717_3718del, p.Ser1239fs (NM_001370405.1, NM_021055.3); c.3843_3844delCT, p.Ser1281Argfs (NM_001406663.1); c.3714_3715delCT, p.Ser1238Argfs (NM_001406665.1); c.3246_3247delCT, p.Ser1082Argfs (NM_001406680.1); c.2373_2374delCT, p.Ser791Argfs (NM_001406690.1); c.2370_2371delCT, p.Ser790Argfs (NM_001406691.1); and 7 more; short protein forms S1038fs, S1238fs, S1282fs, S1239fs.
Identifiers: ClinVar variation 1735464 (VCV001735464.9), dbSNP rs767360506, ClinGen allele CA048866.

ClinVar aggregate classification (germline): Conflicting classifications of pathogenicity. Review status: criteria provided, conflicting classifications (1 of 4 stars). 3 submissions from 3 submitters: Uncertain significance (1); Likely benign (1). 1 of the submissions does not count toward it. Last evaluated 2024-03-06.

Conditions:
Tuberous sclerosis 2 (TSC2). Identifiers: Orphanet 805, MedGen C1860707, MONDO:0013199, OMIM 613254.
TSC2-related disorder. Also called: TSC2-related condition; TSC2-Related Disorders.
Hereditary cancer-predisposing syndrome. Also called: Neoplastic Syndromes, Hereditary; Tumor predisposition; Hereditary Cancer Syndrome; Hereditary neoplastic syndrome. Identifiers: Orphanet 140162, MedGen C0027672, MeSH D009386, MONDO:0015356.

Allele frequency attached by ClinVar (database versions not stated): gnomAD exomes 0.00005; ExAC 0.00017; 1000 Genomes Project 30x 0.00047; gnomAD 0.00058.

Submissions (3):

Labcorp Genetics (formerly Invitae), Labcorp
Classification: Likely benign for Tuberous sclerosis 2. Last evaluated: 2024-03-06. Review status: criteria provided, single submitter. Criteria: Invitae Variant Classification Sherloc (09022015). Collection method: clinical testing. Allele origin: germline.

Ambry Genetics
Classification: Uncertain significance for Hereditary cancer-predisposing syndrome. Last evaluated: 2020-12-16. Review status: criteria provided, single submitter. Criteria: Ambry Variant Classification Scheme 2023. Collection method: clinical testing. Allele origin: germline.
Comment: The c.3846_3847delCT variant, located in coding exon 31 of the TSC2 gene, results from a deletion of two nucleotides at nucleotide positions 3846 to 3847, causing a translational frameshift with a predicted alternate stop codon (p.S1282Rfs*39). This alteration is expected to result in premature protein truncation or nonsense-mediated mRNA decay. However, this variant occurs in an exon that is dispensable in biologically relevant transcripts. Since supporting evidence is limited at this time, the clinical significance of this alteration remains unclear.

PreventionGenetics, part of Exact Sciences
Classification: Likely benign for TSC2-related condition. Last evaluated: 2022-09-06. Review status: no assertion criteria provided. Collection method: clinical testing. Allele origin: germline. Not counted in ClinVar's aggregate classification.
Comment: This variant is classified as likely benign based on ACMG/AMP sequence variant interpretation guidelines (Richards et al. 2015 PMID: 25741868, with internal and published modifications).